The following is an entry in ClinVar:

NM_014159.7(SETD2):c.1601C>T (p.Pro534Leu)

Gene: SETD2 (SET domain containing 2, histone lysine methyltransferase; minus strand). Cytogenetic location: 3p21.31.
Variant type: single nucleotide variant.
Coding change: c.1601C>T on transcript NM_014159.7 (MANE Select); coding-DNA position 1601, C replaced by T.
Protein change: p.Pro534Leu; replaces proline 534 with leucine.
Molecular consequence: missense variant. On other transcripts: non-coding transcript variant (1).
Genome position (GRCh38, 1-based): chr3:47,123,035, G>A on the plus strand (C>T on the coding strand, the complement: SETD2 is on the minus strand). VCF-style: chr3-47123035-G-A. GRCh37 (hg19) VCF-style: chr3-47164525-G-A.
Other names: c.1469C>T, p.Pro490Leu (NM_001349370.3); short protein forms P490L, P534L.
Identifiers: ClinVar variation 1710833 (VCV001710833.2), dbSNP rs1399887416, ClinGen allele CA352529827.

ClinVar aggregate classification (germline): Uncertain significance (1 of 4 stars; one submission).

Allele frequency attached by ClinVar (database versions not stated): TOPMed 0.00001.
gnomAD v4.1: 2 of 1,614,062 alleles (0.00012%); highest among the groups gnomAD compares: Non-Finnish European, 0.00017%; no homozygotes.

Submission:

GeneDx
Classification: Uncertain significance. Last evaluated: 2022-04-10. Review status: criteria provided, single submitter. Criteria: GeneDx Variant Classification Process June 2021. Collection method: clinical testing. Allele origin: germline. Affected: yes.
Comment: Not observed at significant frequency in large population cohorts (gnomAD); In silico analysis supports that this missense variant has a deleterious effect on protein structure/function; Has not been previously published as pathogenic or benign to our knowledge